The following is an entry in ClinVar:

NM_020778.5(ALPK3):c.3205C>T (p.Leu1069Phe)

Gene: ALPK3 (alpha kinase 3; plus strand). Cytogenetic location: 15q25.3.
Variant type: single nucleotide variant.
Coding change: c.3205C>T on transcript NM_020778.5 (MANE Select); coding-DNA position 3205, C replaced by T.
Protein change: p.Leu1069Phe; replaces leucine 1069 with phenylalanine.
Molecular consequence: missense variant.
Genome position (GRCh38, 1-based): chr15:84,857,943, C>T. VCF-style: chr15-84857943-C-T. GRCh37 (hg19) VCF-style: chr15-85401174-C-T.
Other names: short protein forms L1069F.
Identifiers: ClinVar variation 2733566 (VCV002733566.3), dbSNP rs569892880, ClinGen allele CA393359800.

ClinVar aggregate classification (germline): Uncertain significance (1 of 4 stars; one submission).

Allele frequency attached by ClinVar (database versions not stated): TOPMed below 0.00001; gnomAD exomes 0.00001.
gnomAD v4.1: 11 of 1,609,066 alleles (0.00068%); highest among the groups gnomAD compares: Non-Finnish European, 0.00093%; no homozygotes.

Submission:

Labcorp Genetics (formerly Invitae), Labcorp
Classification: Uncertain significance. Last evaluated: 2023-06-30. Review status: criteria provided, single submitter. Criteria: Invitae Variant Classification Sherloc (09022015). Collection method: clinical testing. Allele origin: germline.
Comment: This sequence change replaces leucine, which is neutral and non-polar, with phenylalanine, which is neutral and non-polar, at codon 1271 of the ALPK3 protein (p.Leu1271Phe). This variant is not present in population databases (gnomAD no frequency). This variant has not been reported in the literature in individuals affected with ALPK3-related conditions. An algorithm developed to predict the effect of missense changes on protein structure and function (PolyPhen-2) suggests that this variant is likely to be tolerated. In summary, the available evidence is currently insufficient to determine the role of this variant in disease. Therefore, it has been classified as a Variant of Uncertain Significance.